The following is an entry in ClinVar:

ClinVar aggregate classification (germline): Uncertain significance (1 of 4 stars; one submission).

gnomAD v4.1: 2 of 1,614,086 alleles (0.00012%); highest among the groups gnomAD compares: African/African-American, 0.0027%; no homozygotes.

Submission:

Labcorp Genetics (formerly Invitae), Labcorp
Classification: Uncertain significance. Last evaluated: 2025-01-30. Review status: criteria provided, single submitter. Criteria: Invitae Variant Classification Sherloc (09022015). Collection method: clinical testing. Allele origin: germline.
Comment: This sequence change replaces serine, which is neutral and polar, with asparagine, which is neutral and polar, at codon 974 of the ADNP protein (p.Ser974Asn). This variant is present in population databases (rs763707378, gnomAD 0.01%). This variant has not been reported in the literature in individuals affected with ADNP-related conditions. An algorithm developed to predict the effect of missense changes on protein structure and function (PolyPhen-2) suggests that this variant is likely to be disruptive. In summary, the available evidence is currently insufficient to determine the role of this variant in disease. Therefore, it has been classified as a Variant of Uncertain Significance.

NM_001282531.3(ADNP):c.2921G>A (p.Ser974Asn)

Gene: ADNP (activity dependent neuroprotector homeobox; minus strand). Cytogenetic location: 20q13.13.
Variant type: single nucleotide variant.
Coding change: c.2921G>A on transcript NM_001282531.3 (MANE Select); coding-DNA position 2921, G replaced by A.
Protein change: p.Ser974Asn; replaces serine 974 with asparagine.
Molecular consequence: missense variant.
Genome position (GRCh38, 1-based): chr20:50,891,793, C>T on the plus strand (G>A on the coding strand, the complement: ADNP is on the minus strand). VCF-style: chr20-50891793-C-T. GRCh37 (hg19) VCF-style: chr20-49508330-C-T.
Other names: c.2921G>A, p.Ser974Asn (NM_001282532.2, NM_001347511.2, NM_015339.5 and 1 more transcripts); short protein forms S974N.
Identifiers: ClinVar variation 3680075 (VCV003680075.2).